The following is an entry in ClinVar:

ClinVar aggregate classification (germline): Pathogenic (1 of 4 stars; one submission).

Conditions:
Leigh syndrome (NULS). Also called: Leigh's necrotizing encephalopathy; Leigh's disease; Leigh Syndrome (mtDNA deletion); Leigh's syndrome; Subacute necrotizing encephalopathy; Necrotizing encephalopathy infantile subacute of Leigh. Identifiers: Orphanet 506, MedGen C2931891, MONDO:0009723, OMIM 256000.

Submission:

Labcorp Genetics (formerly Invitae), Labcorp
Classification: Pathogenic for Leigh syndrome. Last evaluated: 2024-05-13. Review status: criteria provided, single submitter. Criteria: Invitae Variant Classification Sherloc (09022015). Collection method: clinical testing. Allele origin: germline.
Comment: This sequence change creates a premature translational stop signal (p.Glu95Glyfs*7) in the SURF1 gene. It is expected to result in an absent or disrupted protein product. Loss-of-function variants in SURF1 are known to be pathogenic (PMID: 10443880, 22488715, 24027061). This variant is not present in population databases (gnomAD no frequency). This variant has not been reported in the literature in individuals affected with SURF1-related conditions. Algorithms developed to predict the effect of sequence changes on RNA splicing suggest that this variant may disrupt the consensus splice site. For these reasons, this variant has been classified as Pathogenic.

Literature cited by the submitters: PubMed 10443880; PubMed 22488715; PubMed 24027061.

NM_003172.4(SURF1):c.283dup (p.Glu95fs)

Gene: SURF1 (SURF1 cytochrome c oxidase assembly factor; minus strand). Cytogenetic location: 9q34.2.
Variant type: Duplication.
Coding change: c.283dup on transcript NM_003172.4 (MANE Select); coding-DNA position 283, one base duplicated (G; older notation c.283dupG).
Protein change: p.Glu95fs; shifts the reading frame from glutamic acid 95.
Molecular consequence: frameshift variant. On other transcripts: 5 prime UTR variant (1).
Genome position (GRCh38, 1-based): chr9:133,354,699, C duplicated on the plus strand (G on the coding strand, the reverse complement: SURF1 is on the minus strand); the first of 2 consecutive C bases (chr9:133,354,699-133,354,700); duplicating either gives the same sequence. VCF-style (leftmost placement, unchanged base first): chr9-133354698-T-TC. GRCh37 (hg19) VCF-style: chr9-136221553-T-TC.
Other names: c.-45dup (NM_001280787.1); short protein forms E95fs.
Identifiers: ClinVar variation 3653199 (VCV003653199.2).